The following is an entry in ClinVar:

ClinVar aggregate classification (germline): Uncertain significance. Review status: criteria provided, multiple submitters, no conflicts (2 of 4 stars). 2 submissions from 2 submitters: Uncertain significance (2). Last evaluated 2025-07-15.

Conditions:
Epileptic encephalopathy. Identifiers: MedGen C0543888, HP:0200134.

Allele frequency attached by ClinVar (database versions not stated): ExAC below 0.00001; gnomAD exomes 0.00002; gnomAD 0.00005; TOPMed 0.00008.
gnomAD v4.1: 39 of 1,600,344 alleles (0.0024%); highest among the groups gnomAD compares: African/African-American, 0.004%; no homozygotes.

Submissions (2):

Labcorp Genetics (formerly Invitae), Labcorp
Classification: Uncertain significance for Epileptic encephalopathy. Last evaluated: 2025-07-15. Review status: criteria provided, single submitter. Criteria: Invitae Variant Classification Sherloc (09022015). Collection method: clinical testing. Allele origin: germline.
Comment: This sequence change replaces proline, which is neutral and non-polar, with leucine, which is neutral and non-polar, at codon 491 of the FASN protein (p.Pro491Leu). This variant is present in population databases (rs769395951, gnomAD 0.002%). This variant has not been reported in the literature in individuals affected with FASN-related conditions. ClinVar contains an entry for this variant (Variation ID: 940156). An algorithm developed to predict the effect of missense changes on protein structure and function (PolyPhen-2) suggests that this variant is likely to be disruptive. In summary, the available evidence is currently insufficient to determine the role of this variant in disease. Therefore, it has been classified as a Variant of Uncertain Significance.

Ambry Genetics
Classification: Uncertain significance. Last evaluated: 2023-12-13. Review status: criteria provided, single submitter. Criteria: Ambry Variant Classification Scheme 2023. Collection method: clinical testing. Allele origin: germline.

NM_004104.5(FASN):c.1472C>T (p.Pro491Leu)

Gene: FASN (fatty acid synthase; minus strand). Cytogenetic location: 17q25.3.
Variant type: single nucleotide variant.
Coding change: c.1472C>T on transcript NM_004104.5 (MANE Select); coding-DNA position 1472, C replaced by T.
Protein change: p.Pro491Leu; replaces proline 491 with leucine.
Molecular consequence: missense variant.
Genome position (GRCh38, 1-based): chr17:82,091,242, G>A on the plus strand (C>T on the coding strand, the complement: FASN is on the minus strand). VCF-style: chr17-82091242-G-A. GRCh37 (hg19) VCF-style: chr17-80049118-G-A.
Other names: short protein forms P491L.
Identifiers: ClinVar variation 940156 (VCV000940156.10), dbSNP rs769395951, ClinGen allele CA8853155.